The following is an entry in ClinVar:

ClinVar aggregate classification (germline): Uncertain significance. Review status: criteria provided, single submitter (1 of 4 stars). 2 submissions from 2 submitters: Uncertain significance (1). 1 of the submissions does not count toward it. Last evaluated 2024-10-10.

Conditions:
FLT4-related disorder. Also called: FLT4-related condition.
Hereditary lymphedema type I (LMPHM1). Also called: Nonne-Milroy disease; Congenital hereditary lymphedema; Early onset lymphedema; Hereditary lymphedema 1; Primary congenital lymphedema; Meige's disease. Identifiers: Orphanet 79452, MedGen C1704423, MONDO:0007919, OMIM 153100.

Submissions (2):

Clinical Genomics Laboratory, Washington University in St. Louis
Classification: Uncertain significance for Hereditary lymphedema type I. Last evaluated: 2024-10-10. Review status: criteria provided, single submitter. Criteria: ACMG Guidelines, 2015. Collection method: clinical testing. Allele origin: germline.
Comment: A FLT4 c.676+6_676+30del intronic variant was identified at a near heterozygous allelic fraction of 48.51%, a frequency which may be consistent with it being of germline origin. This variant, to our knowledge, has not been reported in the medical literature and this variant has been observed on 76/1,612,524 alleles in the general population (gnomAD v.4.1.0). The FLT4 c.676+6_676+30del variant has been reported in the ClinVar database as a germline likely benign variant by one submitter (ClinVar ID: 3032093). Computational predictors suggest that the variant has no impact on splicing, evidence that this variant may not have a damaging effect on FLT4 function. Due to limited information and based on ACMG/AMP guidelines for variant interpretation (Richards S et al., PMID: 25741868), the clinical significance of the FLT4 c.676+6_676+30del variant is uncertain at this time.

PreventionGenetics, part of Exact Sciences
Classification: Likely benign for FLT4-related condition. Last evaluated: 2021-09-13. Review status: no assertion criteria provided. Collection method: clinical testing. Allele origin: germline. Not counted in ClinVar's aggregate classification.
Comment: This variant is classified as likely benign based on ACMG/AMP sequence variant interpretation guidelines (Richards et al. 2015 PMID: 25741868, with internal and published modifications).

NM_182925.5(FLT4):c.676+6_676+30del

Gene: FLT4 (fms related receptor tyrosine kinase 4; minus strand). Cytogenetic location: 5q35.3.
Variant type: Deletion.
Coding change: c.676+6_676+30del on transcript NM_182925.5 (MANE Select); bases 6 to 30 of the intron after coding-DNA position 676, 25 bases deleted (AGGGCTGTGCCCCGTTCCCAGTAAC).
Molecular consequence: splice donor variant.
Genome position (GRCh38, 1-based): chr5:180,629,913-180,629,937, GTTACTGGGAACGGGGCACAGCCCT deleted on the plus strand (AGGGCTGTGCCCCGTTCCCAGTAAC on the coding strand, the reverse complement: FLT4 is on the minus strand); deleting any 25 consecutive bases within chr5:180,629,913-180,629,942 gives the same sequence; the c. name uses the placement nearest the transcript's 3' end. VCF-style (leftmost placement, unchanged base first): chr5-180629912-CGTTACTGGGAACGGGGCACAGCCCT-C. GRCh37 (hg19) VCF-style: chr5-180056912-CGTTACTGGGAACGGGGCACAGCCCT-C.
Other names: c.676+6_676+30del (NM_001354989.2, NM_002020.5).
Identifiers: ClinVar variation 3032093 (VCV003032093.3), dbSNP rs767757882, ClinGen allele CA3607028.